The following is an entry in ClinVar:

ClinVar aggregate classification (germline): Uncertain significance (1 of 4 stars; one submission).

Conditions:
POLD1-related polyposis and colorectal cancer syndrome (CRCS10). Also called: COLORECTAL CANCER, SUSCEPTIBILITY TO, ON CHROMOSOME 19q; Colorectal cancer 10; Colorectal cancer, susceptibility to, 10. Identifiers: Orphanet 220460, MedGen C2675481, MONDO:0012953, OMIM 612591.

Submission:

Labcorp Genetics (formerly Invitae), Labcorp
Classification: Uncertain significance for POLD1-related polyposis and colorectal cancer syndrome. Last evaluated: 2025-12-10. Review status: criteria provided, single submitter. Criteria: Invitae Variant Classification Sherloc (09022015). Collection method: clinical testing. Allele origin: germline.
Comment: This sequence change replaces aspartic acid, which is acidic and polar, with glutamic acid, which is acidic and polar, at codon 402 of the POLD1 protein (p.Asp402Glu). This variant is not present in population databases (gnomAD no frequency). This variant has not been reported in the literature in individuals affected with POLD1-related conditions. Invitae Evidence Modeling of protein sequence and biophysical properties (such as structural, functional, and spatial information, amino acid conservation, physicochemical variation, residue mobility, and thermodynamic stability) indicates that this missense variant is expected to disrupt POLD1 protein function with a positive predictive value of 80%. In summary, the available evidence is currently insufficient to determine the role of this variant in disease. Therefore, it has been classified as a Variant of Uncertain Significance.

NM_002691.4(POLD1):c.1206C>A (p.Asp402Glu)

Gene: POLD1 (DNA polymerase delta 1, catalytic subunit; plus strand). Cytogenetic location: 19q13.33.
Variant type: single nucleotide variant.
Coding change: c.1206C>A on transcript NM_002691.4 (MANE Select); coding-DNA position 1206, C replaced by A.
Protein change: p.Asp402Glu; replaces aspartic acid 402 with glutamic acid.
Molecular consequence: missense variant. On other transcripts: non-coding transcript variant (1).
Genome position (GRCh38, 1-based): chr19:50,403,561, C>A. VCF-style: chr19-50403561-C-A. GRCh37 (hg19) VCF-style: chr19-50906818-C-A.
Other names: c.1206C>A, p.Asp402Glu (NM_001256849.1, NM_001308632.1, NM_001438210.1 and 3 more transcripts); short protein forms D402E.
Identifiers: ClinVar variation 4735611 (VCV004735611.1).